The following is an entry in ClinVar:

NM_000135.4(FANCA):c.3643G>C (p.Ala1215Pro)

Gene: FANCA (FA complementation group A; minus strand). Cytogenetic location: 16q24.3.
Variant type: single nucleotide variant.
Coding change: c.3643G>C on transcript NM_000135.4 (MANE Select); coding-DNA position 3643, G replaced by C.
Protein change: p.Ala1215Pro; replaces alanine 1215 with proline.
Molecular consequence: missense variant.
Genome position (GRCh38, 1-based): chr16:89,742,922, C>G on the plus strand (G>C on the coding strand, the complement: FANCA is on the minus strand). VCF-style: chr16-89742922-C-G. GRCh37 (hg19) VCF-style: chr16-89809330-C-G.
Other names: c.3643G>C, p.Ala1215Pro (NM_001286167.3); short protein forms A1215P.
Identifiers: ClinVar variation 3848092 (VCV003848092.1).

ClinVar aggregate classification (germline): Uncertain significance (1 of 4 stars; one submission).

Conditions:
Inborn genetic diseases. Identifiers: MedGen C0950123, MeSH D030342.

Submission:

Ambry Genetics
Classification: Uncertain significance for Inborn genetic diseases. Last evaluated: 2025-01-06. Review status: criteria provided, single submitter. Criteria: Ambry Variant Classification Scheme 2023. Collection method: clinical testing. Allele origin: germline.
Comment: The p.A1215P variant (also known as c.3643G>C), located in coding exon 37 of the FANCA gene, results from a G to C substitution at nucleotide position 3643. The alanine at codon 1215 is replaced by proline, an amino acid with highly similar properties. This amino acid position is conserved. In addition, this alteration is predicted to be tolerated by in silico analysis. Based on the available evidence, the clinical significance of this variant remains unclear.